The following is an entry in ClinVar:

ClinVar aggregate classification (germline): Uncertain significance (1 of 4 stars; one submission).

Conditions:
Charcot-Marie-Tooth disease type 2E (CMT2E). Also called: CHARCOT-MARIE-TOOTH NEUROPATHY, TYPE 2E; CHARCOT-MARIE-TOOTH DISEASE, AXONAL, TYPE 2E. Identifiers: Orphanet 99939, MedGen C1843225, MONDO:0011894, OMIM 607684.

Submission:

Labcorp Genetics (formerly Invitae), Labcorp
Classification: Uncertain significance for Charcot-Marie-Tooth disease type 2E. Last evaluated: 2022-08-30. Review status: criteria provided, single submitter. Criteria: Invitae Variant Classification Sherloc (09022015). Collection method: clinical testing. Allele origin: germline.
Comment: This variant has not been reported in the literature in individuals affected with NEFL-related conditions. This variant, c.275_286del, results in the deletion of 4 amino acid(s) of the NEFL protein (p.Ala92_Gln95del), but otherwise preserves the integrity of the reading frame. This variant is not present in population databases (gnomAD no frequency). Experimental studies and prediction algorithms are not available or were not evaluated, and the functional significance of this variant is currently unknown. In summary, the available evidence is currently insufficient to determine the role of this variant in disease. Therefore, it has been classified as a Variant of Uncertain Significance.

NM_006158.5(NEFL):c.275_286del (p.Ala92_Gln95del)

Gene: NEFL (neurofilament light chain; minus strand). Cytogenetic location: 8p21.2.
Variant type: Deletion.
Coding change: c.275_286del on transcript NM_006158.5 (MANE Select); coding-DNA positions 275 to 286, 12 bases deleted (CGCAGCTCCAGG).
Protein change: p.Ala92_Gln95del.
Molecular consequence: inframe deletion.
Genome position (GRCh38, 1-based): chr8:24,956,230-24,956,241, CCTGGAGCTGCG deleted on the plus strand (CGCAGCTCCAGG on the coding strand, the reverse complement: NEFL is on the minus strand); deleting any 12 consecutive bases within chr8:24,956,230-24,956,244 gives the same sequence; the c. name uses the placement nearest the transcript's 3' end. VCF-style (leftmost placement, unchanged base first): chr8-24956229-TCCTGGAGCTGCG-T. GRCh37 (hg19) VCF-style: chr8-24813743-TCCTGGAGCTGCG-T.
Identifiers: ClinVar variation 2027864 (VCV002027864.4), dbSNP rs2486887894, ClinGen allele CA2580078086.